The following is an entry in ClinVar:

ClinVar aggregate classification (germline): Conflicting classifications of pathogenicity. Review status: criteria provided, conflicting classifications (1 of 4 stars). 7 submissions from 7 submitters: Uncertain significance (3); Likely benign (4). Last evaluated 2023-12-06.

Conditions:
Cardiovascular phenotype. Identifiers: MedGen CN230736.
Dilated cardiomyopathy 1BB (CMD1BB). Also called: CARDIOMYOPATHY, DILATED, 1BB, SUSCEPTIBILITY TO. Identifiers: Orphanet 154, MedGen C2752072, MONDO:0013030, OMIM 612877.
Arrhythmogenic right ventricular dysplasia 10. Also called: Arrhythmogenic Right Ventricular Dysplasia/Cardiomyopathy10; ARRHYTHMOGENIC RIGHT VENTRICULAR DYSPLASIA, FAMILIAL, 10; Arrhythmogenic right ventricular dysplasia/cardiomyopathy, type 10. Identifiers: MedGen C1857777, MONDO:0012434, OMIM 610193.
Cardiomyopathy (CMYO). Also called: Cardiomyopathies. Identifiers: Orphanet 167848, MedGen C0878544, MONDO:0004994, HP:0001638. Inheritance: Various modes of inheritance.

Submissions (7):

Labcorp Genetics (formerly Invitae), Labcorp
Classification: Likely benign for Arrhythmogenic right ventricular dysplasia 10. Last evaluated: 2023-12-06. Review status: criteria provided, single submitter. Criteria: Invitae Variant Classification Sherloc (09022015). Collection method: clinical testing. Allele origin: germline.

CHEO Genetics Diagnostic Laboratory, Children's Hospital of Eastern Ontario
Classification: Likely benign for Cardiomyopathy. Last evaluated: 2023-02-15. Review status: criteria provided, single submitter. Criteria: ACMG Guidelines, 2015. Collection method: clinical testing. Allele origin: germline.

Color Diagnostics, LLC DBA Color Health
Classification: Likely benign for Cardiomyopathy. Last evaluated: 2022-05-12. Review status: criteria provided, single submitter. Criteria: ACMG Guidelines, 2015. Collection method: clinical testing. Allele origin: germline.

Fulgent Genetics
Classification: Uncertain significance for Arrhythmogenic right ventricular dysplasia 10; Dilated cardiomyopathy 1BB. Last evaluated: 2022-05-02. Review status: criteria provided, single submitter. Criteria: ACMG Guidelines, 2015. Collection method: clinical testing. Allele origin: unknown.

Ambry Genetics
Classification: Likely benign for Cardiovascular phenotype. Last evaluated: 2022-03-31. Review status: criteria provided, single submitter. Criteria: Ambry Variant Classification Scheme 2023. Collection method: clinical testing. Allele origin: germline.

Women's Health and Genetics/Laboratory Corporation of America, LabCorp
Classification: Uncertain significance. Last evaluated: 2022-03-08. Review status: criteria provided, single submitter. Criteria: LabCorp Variant Classification Summary - May 2015. Collection method: clinical testing. Allele origin: germline.
Comment: Variant summary: DSG2 c.3281_3283delinsTTA (p.Gly1094_His1095delinsValAsn) results in an in-frame deletion-insertion that is predicted to delete two amino acids and also cause insert in two amino acids in the last exon of the protein. 4/4 computational tools predict no significant impact on normal splicing. However, these predictions have yet to be confirmed by functional studies. The variant was absent in 280622 control chromosomes (gnomAD). The available data on variant occurrences in the general population are insufficient to allow any conclusion about variant significance. To our knowledge, no occurrence of c.3281_3283delinsTTA in individuals affected with Arrhythmia and no experimental evidence demonstrating its impact on protein function have been reported. Two clinical diagnostic laboratories have submitted clinical-significance assessments for this variant to ClinVar after 2014 and all laboratories classified the variant as uncertain significance. Based on the evidence outlined above, the variant was classified as uncertain significance.

Laboratory for Molecular Medicine, Mass General Brigham Personalized Medicine
Classification: Uncertain significance. Last evaluated: 2014-07-10. Review status: criteria provided, single submitter. Criteria: LMM Criteria. Collection method: clinical testing. Allele origin: germline. Observed: 1 variant allele.
Comment: The Gly1094_His1095delinsValAsn variant in DSG2 has not been previously reported in individuals with cardiomyopathy. This variant is equivalent to 2 missense va riants (Gly1094Val and His1095Asn), though because they occur on the same copy o f the gene (in cis), they are described as above. Each missense variant has been identified in 3/3969 African American chromosomes by the NHLBI Exome Sequencing Project (dbSNP rs144313973 and rs140193292), though it is assumed that these actually represent this variant (dbSNP rs386802 145). This variant is a deletion of 2 amino acids at position 1094 and 1095 and an insertion of two different amino acids at these positions and is not predicte d to alter the protein reading-frame. While the affected amino acids are not wel l conserved, it is unclear if this variant will impact the protein. In summary, the clinical significance of the Gly1094_His1095delinsValAsn variant is uncertai n.

NM_001943.5(DSG2):c.3281_3283delinsTTA (p.Gly1094_His1095delinsValAsn)

Genes: DSG2 (desmoglein 2; plus strand), DSG2-AS1 (DSG2 antisense RNA 1; minus strand). Cytogenetic location: 18q12.1.
Variant type: Indel.
Coding change: c.3281_3283delinsTTA on transcript NM_001943.5 (MANE Select); coding-DNA positions 3281 to 3283, GTC replaced by TTA.
Protein change: p.Gly1094_His1095delinsValAsn.
Molecular consequence: missense variant.
Genome position (GRCh38, 1-based): chr18:31,546,667-31,546,669, GTC replaced by TTA. VCF-style: chr18-31546667-GTC-TTA. GRCh37 (hg19) VCF-style: chr18-29126630-GTC-TTA.
Other names: c.3281_3283delGTCinsTTA (NM_001943.3).
Identifiers: ClinVar variation 179849 (VCV000179849.20), dbSNP rs386802145, ClinGen allele CA022046.